The following is an entry in ClinVar:

ClinVar aggregate classification (germline): Uncertain significance (1 of 4 stars; one submission).

Conditions:
Hereditary cancer-predisposing syndrome. Also called: Neoplastic Syndromes, Hereditary; Tumor predisposition; Hereditary neoplastic syndrome; Hereditary Cancer Syndrome. Identifiers: Orphanet 140162, MedGen C0027672, MeSH D009386, MONDO:0015356.

Submission:

Ambry Genetics
Classification: Uncertain significance for Hereditary cancer-predisposing syndrome. Last evaluated: 2024-04-14. Review status: criteria provided, single submitter. Criteria: Ambry Variant Classification Scheme 2023. Collection method: clinical testing. Allele origin: germline.
Comment: The p.Q184L variant (also known as c.551A>T), located in coding exon 3 of the PTCH1 gene, results from an A to T substitution at nucleotide position 551. The glutamine at codon 184 is replaced by leucine, an amino acid with dissimilar properties. This amino acid position is conserved. In addition, the in silico prediction for this alteration is inconclusive. Based on the available evidence, the clinical significance of this variant remains unclear.

NM_000264.5(PTCH1):c.551A>T (p.Gln184Leu)

Gene: PTCH1 (patched 1; minus strand). Cytogenetic location: 9q22.32.
Variant type: single nucleotide variant.
Coding change: c.551A>T on transcript NM_000264.5 (MANE Select); coding-DNA position 551, A replaced by T.
Protein change: p.Gln184Leu; replaces glutamine 184 with leucine.
Molecular consequence: missense variant. On other transcripts: non-coding transcript variant (1).
Genome position (GRCh38, 1-based): chr9:95,485,718, T>A on the plus strand (A>T on the coding strand, the complement: PTCH1 is on the minus strand). VCF-style: chr9-95485718-T-A. GRCh37 (hg19) VCF-style: chr9-98248000-T-A.
Other names: c.353A>T, p.Gln118Leu (NM_001083602.3, NM_001354919.2); c.548A>T, p.Gln183Leu (NM_001083603.3); c.98A>T, p.Gln33Leu (NM_001083604.3, NM_001083605.3, NM_001083606.3 and 1 more transcripts); c.551A>T, p.Gln184Leu (NM_001354918.2); short protein forms Q184L, Q118L, Q33L, Q183L.
Identifiers: ClinVar variation 3311163 (VCV003311163.1).